The following is an entry in ClinVar:

NM_001292063.2(OTOG):c.8322C>T (p.Cys2774=)

Gene: OTOG (otogelin; plus strand). Cytogenetic location: 11p15.1.
Variant type: single nucleotide variant.
Coding change: c.8322C>T on transcript NM_001292063.2 (MANE Select); coding-DNA position 8322, C replaced by T.
Protein change: p.Cys2774=; no amino-acid change (cysteine 2774 retained).
Molecular consequence: synonymous variant.
Genome position (GRCh38, 1-based): chr11:17,642,153, C>T. VCF-style: chr11-17642153-C-T. GRCh37 (hg19) VCF-style: chr11-17663700-C-T.
Other names: c.8358C>T, p.Cys2786= (NM_001277269.2).
Identifiers: ClinVar variation 517551 (VCV000517551.39), dbSNP rs539684481, ClinGen allele CA5906271.
Genomic context (GRCh38, chr11:17,642,153, plus strand): 5'-CACAGCTCCCATTACCTACTTCTGTGCCCTCCAGCCCGGGGCATCCTGGATCGCAGACTG[C>T]GCCCGCCACCACTGCAGCAGCACGCCCCTGGGTGCCGTGCTGGTCCGCTCTCCCATAAGC-3'
Protein context (NP_001278992.1, residues 2764-2784): FLPGASWIAD[Cys2774=]ARHHCSSTPL

ClinVar aggregate classification (germline): Likely benign. Review status: criteria provided, multiple submitters, no conflicts (2 of 4 stars). 5 submissions from 5 submitters: Likely benign (5). Last evaluated 2025-12-20.

Conditions:
OTOG-related disorder. Also called: OTOG-related condition.

Allele frequency attached by ClinVar (database versions not stated): ExAC 0.00015; 1000 Genomes Project 0.00040; gnomAD 0.00046 and 0.00048; TOPMed 0.00046; 1000 Genomes Project 30x 0.00047.
gnomAD v4.1: 164 of 1,548,492 alleles (0.011%); highest among the groups gnomAD compares: African/African-American, 0.16%; no homozygotes.

Submissions (5):

PreventionGenetics, part of Exact Sciences
Classification: Likely benign for OTOG-related condition. Last evaluated: 2025-12-20. Review status: criteria provided, single submitter. Criteria: ACMG Guidelines, 2015. Collection method: clinical testing. Allele origin: germline.
Comment: This variant is classified as likely benign based on ACMG/AMP sequence variant interpretation guidelines (Richards et al. 2015 PMID: 25741868, with internal and published modifications).

Labcorp Genetics (formerly Invitae), Labcorp
Classification: Likely benign. Last evaluated: 2025-05-13. Review status: criteria provided, single submitter. Criteria: Invitae Variant Classification Sherloc (09022015). Collection method: clinical testing. Allele origin: germline.

CeGaT Center for Human Genetics Tuebingen
Classification: Likely benign. Last evaluated: 2022-09-01. Review status: criteria provided, single submitter. Criteria: CeGaT Center For Human Genetics Tuebingen Variant Classification Criteria Version 2. Collection method: clinical testing. Allele origin: germline. Affected: yes. Observed: 1 variant allele.
Comment: OTOG: BP4, BP7

GeneDx
Classification: Likely benign. Last evaluated: 2020-07-06. Review status: criteria provided, single submitter. Criteria: GeneDx Variant Classification Process June 2021. Collection method: clinical testing. Allele origin: germline. Affected: yes.

Laboratory for Molecular Medicine, Mass General Brigham Personalized Medicine
Classification: Likely benign. Last evaluated: 2017-08-23. Review status: criteria provided, single submitter. Criteria: LMM Criteria. Collection method: clinical testing. Allele origin: germline. Observed: 1 variant allele.
Comment: p.Cys2786Cys in exon 52 of OTOG: This variant is not expected to have clinical s ignificance because it does not alter an amino acid residue and is not located w ithin the splice consensus sequence. It has been identified in 31/15196 (0.2%) o f African chromosomes by the Genome Aggregation Consortium (gnomAD; dbSNP rs539684481).